The following is an entry in ClinVar:

ClinVar aggregate classification (germline): Uncertain significance. Review status: criteria provided, multiple submitters, no conflicts (2 of 4 stars). 2 submissions from 2 submitters: Uncertain significance (2). Last evaluated 2026-08-10.

Conditions:
Arrhythmogenic right ventricular dysplasia 13. Also called: ARRHYTHMOGENIC RIGHT VENTRICULAR CARDIOMYOPATHY 13; Arrhythmogenic right ventricular dysplasia, familial, 13. Identifiers: MedGen C3810138, MONDO:0000908, OMIM 615616.

Allele frequency attached by ClinVar (database versions not stated): ExAC 0.00002; TOPMed 0.00002; gnomAD 0.00001.

Submissions (2):

Ambry Genetics
Classification: Uncertain significance. Last evaluated: 2026-08-10. Review status: criteria provided, single submitter. Criteria: Ambry Variant Classification Scheme 2023. Collection method: clinical testing. Allele origin: germline.
Comment: The p.E244K variant (also known as c.730G>A), located in coding exon 5 of the CTNNA3 gene, results from a G to A substitution at nucleotide position 730. The glutamic acid at codon 244 is replaced by lysine, an amino acid with similar properties. This amino acid position is conserved. In addition, this alteration is predicted to be tolerated by in silico analysis. Based on the available evidence, the clinical significance of this variant remains unclear.

Labcorp Genetics (formerly Invitae), Labcorp
Classification: Uncertain significance for Arrhythmogenic right ventricular dysplasia 13. Last evaluated: 2023-07-22. Review status: criteria provided, single submitter. Criteria: Invitae Variant Classification Sherloc (09022015). Collection method: clinical testing. Allele origin: germline.
Comment: In summary, the available evidence is currently insufficient to determine the role of this variant in disease. Therefore, it has been classified as a Variant of Uncertain Significance. Advanced modeling of protein sequence and biophysical properties (such as structural, functional, and spatial information, amino acid conservation, physicochemical variation, residue mobility, and thermodynamic stability) performed at Invitae indicates that this missense variant is not expected to disrupt CTNNA3 protein function. This variant has not been reported in the literature in individuals affected with CTNNA3-related conditions. This variant is present in population databases (rs750916762, gnomAD 0.003%). This sequence change replaces glutamic acid, which is acidic and polar, with lysine, which is basic and polar, at codon 244 of the CTNNA3 protein (p.Glu244Lys).

NM_013266.4(CTNNA3):c.730G>A (p.Glu244Lys)

Gene: CTNNA3 (catenin alpha 3; minus strand). Cytogenetic location: 10q21.3.
Variant type: single nucleotide variant.
Coding change: c.730G>A on transcript NM_013266.4 (MANE Select); coding-DNA position 730, G replaced by A.
Protein change: p.Glu244Lys; replaces glutamic acid 244 with lysine.
Molecular consequence: missense variant.
Genome position (GRCh38, 1-based): chr10:67,219,720, C>T on the plus strand (G>A on the coding strand, the complement: CTNNA3 is on the minus strand). VCF-style: chr10-67219720-C-T. GRCh37 (hg19) VCF-style: chr10-68979478-C-T.
Other names: c.730G>A (NM_013266.2); c.730G>A, p.Glu244Lys (NM_001127384.3); c.766G>A, p.Glu256Lys (NM_001291133.2); short protein forms E244K, E256K.
Identifiers: ClinVar variation 2901446 (VCV002901446.5), dbSNP rs750916762, ClinGen allele CA5520512.
Genomic context (GRCh38, chr10:67,219,720, plus strand): 5'-TTGTCATATTCTGGATCCCTTGTGAAGCATTTGAAATTACATTGAGAGCATTCTGAATTT[C>T]TTCACAAACTGTGTCCTTGCTTGCTTTGAGGGAAGCAACATCAGAATGCTCCAAACAAGC-3'
Protein context (NP_037398.2, residues 234-254): LKASKDTVCE[Glu244Lys]IQNALNVISN